The following is an entry in ClinVar:

ClinVar aggregate classification (germline): Uncertain significance (1 of 4 stars; one submission).

Allele frequency attached by ClinVar (database versions not stated): gnomAD exomes below 0.00001; ExAC 0.00001.

Submission:

Ambry Genetics
Classification: Uncertain significance. Last evaluated: 2022-03-16. Review status: criteria provided, single submitter. Criteria: Ambry Variant Classification Scheme 2023. Collection method: clinical testing. Allele origin: germline.
Comment: The p.Y2544H variant (also known as c.7630T>C), located in coding exon 29 of the POLQ gene, results from a T to C substitution at nucleotide position 7630. The tyrosine at codon 2544 is replaced by histidine, an amino acid with similar properties. This amino acid position is conserved. In addition, this alteration is predicted to be deleterious by in silico analysis. Since supporting evidence is limited at this time, the clinical significance of this alteration remains unclear.

NM_199420.4(POLQ):c.7630T>C (p.Tyr2544His)

Gene: POLQ (DNA polymerase theta; minus strand). Cytogenetic location: 3q13.33.
Variant type: single nucleotide variant.
Coding change: c.7630T>C on transcript NM_199420.4 (MANE Select); coding-DNA position 7630, T replaced by C.
Protein change: p.Tyr2544His; replaces tyrosine 2544 with histidine.
Molecular consequence: missense variant.
Genome position (GRCh38, 1-based): chr3:121,432,947, A>G on the plus strand (T>C on the coding strand, the complement: POLQ is on the minus strand). VCF-style: chr3-121432947-A-G. GRCh37 (hg19) VCF-style: chr3-121151794-A-G.
Other names: short protein forms Y2544H.
Identifiers: ClinVar variation 1759905 (VCV001759905.2), dbSNP rs765248766, ClinGen allele CA2562120.